The following is an entry in ClinVar:

NM_006767.4(LZTR1):c.680C>G (p.Ser227Cys)

Gene: LZTR1 (leucine zipper like post translational regulator 1; plus strand). Cytogenetic location: 22q11.21.
Variant type: single nucleotide variant.
Coding change: c.680C>G on transcript NM_006767.4 (MANE Select); coding-DNA position 680, C replaced by G.
Protein change: p.Ser227Cys; replaces serine 227 with cysteine.
Molecular consequence: missense variant.
Genome position (GRCh38, 1-based): chr22:20,990,414, C>G. VCF-style: chr22-20990414-C-G. GRCh37 (hg19) VCF-style: chr22-21344703-C-G.
Other names: short protein forms S227C.
Identifiers: ClinVar variation 2447717 (VCV002447717.2), dbSNP rs2518615700, ClinGen allele CA410780467.

ClinVar aggregate classification (germline): Uncertain significance (1 of 4 stars; one submission).

Conditions:
Cardiovascular phenotype. Identifiers: MedGen CN230736.
Hereditary cancer-predisposing syndrome. Also called: Neoplastic Syndromes, Hereditary; Hereditary Cancer Syndrome; Tumor predisposition; Hereditary neoplastic syndrome. Identifiers: Orphanet 140162, MedGen C0027672, MeSH D009386, MONDO:0015356.

Submission:

Ambry Genetics
Classification: Uncertain significance for Cardiovascular phenotype; Hereditary cancer-predisposing syndrome. Last evaluated: 2022-12-17. Review status: criteria provided, single submitter. Criteria: Ambry Variant Classification Scheme 2023. Collection method: clinical testing. Allele origin: germline.
Comment: The p.S227C variant (also known as c.680C>G), located in coding exon 8 of the LZTR1 gene, results from a C to G substitution at nucleotide position 680. The serine at codon 227 is replaced by cysteine, an amino acid with dissimilar properties. This amino acid position is conserved. In addition, the in silico prediction for this alteration is inconclusive. Since supporting evidence is limited at this time, the clinical significance of this alteration remains unclear.